The following is an entry in ClinVar:

NM_000159.4(GCDH):c.1294C>T (p.Gln432Ter)

Genes: GCDH (glutaryl-CoA dehydrogenase; plus strand), SYCE2 (synaptonemal complex central element protein 2; minus strand), LOC126862860 (BRD4-independent group 4 enhancer GRCh37_chr19:13010146-13011345; plus strand). Cytogenetic location: 19p13.13.
Variant type: single nucleotide variant.
Coding change: c.1294C>T on transcript NM_000159.4 (MANE Select); coding-DNA position 1294, C replaced by T.
Protein change: p.Gln432Ter; replaces glutamine 432 with a stop codon.
Molecular consequence: nonsense. On other transcripts: non-coding transcript variant (2), intron variant (2).
Genome position (GRCh38, 1-based): chr19:12,899,518, C>T. VCF-style: chr19-12899518-C-T. GRCh37 (hg19) VCF-style: chr19-13010332-C-T.
Other names: c.1244-182C>T (NM_013976.5); c.613-133G>A (NM_001105578.2); c.1294C>T (NM_000159.3); short protein forms Q432*.
Identifiers: ClinVar variation 3583491 (VCV003583491.3).

ClinVar aggregate classification (germline): Likely pathogenic. Review status: criteria provided, multiple submitters, no conflicts (2 of 4 stars). 3 submissions from 3 submitters: Likely pathogenic (3). Last evaluated 2025-02-25.

Conditions:
Glutaric aciduria, type 1. Also called: GA I; Glutaric Acidemia Type 1; Glutaryl-CoA dehydrogenase deficiency; Glutaric acidemia type I; Glutaricacidemia Type 1; Glutaricaciduria, type I. Identifiers: Orphanet 25, MedGen C0268595, MONDO:0009281, OMIM 231670.

Submissions (3):

Institute of Human Genetics, Heidelberg University
Classification: Likely pathogenic for Glutaric aciduria, type 1. Last evaluated: 2025-02-25. Review status: criteria provided, single submitter. Criteria: ACMG Guidelines, 2015. Collection method: clinical testing. Allele origin: unknown. Affected: yes. Observed: 1 variant allele.
Comment: PVS1_strong, PM2_supp, PP4

Fulgent Genetics
Classification: Likely pathogenic for Glutaric aciduria, type 1. Last evaluated: 2024-06-20. Review status: criteria provided, single submitter. Criteria: ACMG Guidelines, 2015. Collection method: clinical testing. Allele origin: germline.

Natera, Inc.
Classification: Likely pathogenic for Glutaric acidemia type 1. Last evaluated: 2024-06-03. Review status: criteria provided, single submitter. Criteria: Natera Variant Classification Schema (03/2026). Collection method: clinical testing. Allele origin: germline.
Comment: The c.1294C>T variant in GCDH is a nonsense variant predicted to introduce a stop codon at amino acid 432. This variant is expected to result in nonsense mediated decay, truncation, or a dysfunctional protein product. This variant is rare in the general population with a frequency below the threshold expected for the associated phenotype(s). Given the available evidence, this variant is classified as Likely Pathogenic.